The following is an entry in ClinVar:

NM_000548.5(TSC2):c.4663-38_4663-18dup

Gene: TSC2 (TSC complex subunit 2; plus strand). Cytogenetic location: 16p13.3.
Variant type: Duplication.
Coding change: c.4663-38_4663-18dup on transcript NM_000548.5 (MANE Select); 38 bases into the intron before coding-DNA position 4663 through 18 bases into the intron before coding-DNA position 4663, 21 bases duplicated (GGGAGTGATGCCACCCTGCCT).
Molecular consequence: intron variant.
Genome position (GRCh38, 1-based): chr16:2,086,155-2,086,175, GGGAGTGATGCCACCCTGCCT duplicated. VCF-style (leftmost placement, unchanged base first): chr16-2086154-C-CGGGAGTGATGCCACCCTGCCT. GRCh37 (hg19) VCF-style: chr16-2136155-C-CGGGAGTGATGCCACCCTGCCT.
Other names: c.4594-38_4594-18dup (NM_001114382.3); c.4534-38_4534-18dup (NM_021055.3, NM_001370405.1); c.4465-38_4465-18dup (NM_001363528.2); c.4531-38_4531-18dup (NM_001370404.1); c.4462-38_4462-18dup (NM_001077183.3); c.4354-38_4354-18dup (NM_001318827.2); c.3931-38_3931-18dup (NM_001318831.2); c.4318-38_4318-18dup (NM_001318829.2); and 1 more.
Identifiers: ClinVar variation 49313 (VCV000049313.2), dbSNP rs137854102, ClinGen allele CA262570.
Genomic context (GRCh38, chr16:2,086,154, plus strand): 5'-AGTGGGGCTCCCGGCAGAGCCTGCTGGGCACCCCCACCCTCTGCGGGGCAGGGCCCGGCC[C>CGGGAGTGATGCCACCCTGCCT]GGGAGTGATGCCACCCTGCCTCTCCCCTCTCCCCACAGAGCAACAGCGAGCTCGCCATCC-3'

ClinVar aggregate classification (germline): Benign. Review status: criteria provided, single submitter (1 of 4 stars). 2 submissions from 2 submitters: Benign (1). 1 of the submissions does not count toward it. Last evaluated 2015-01-14.

Conditions:
Tuberous sclerosis syndrome (TSC). Also called: Tuberous Sclerosis Complex; Tuberous sclerosis. Identifiers: Orphanet 805, MedGen C0041341, MONDO:0001734.

Allele frequency attached by ClinVar (database versions not stated): gnomAD 0.00023; gnomAD exomes 0.00027 and 0.00041; ExAC 0.00032.

Submissions (2):

GeneDx
Classification: Benign. Last evaluated: 2015-01-14. Review status: criteria provided, single submitter. Criteria: GeneDx Variant Classification (06012015). Collection method: clinical testing. Allele origin: germline. Affected: yes.
Comment: The variant is found in INFANT-EPI panel(s).

Tuberous sclerosis database (TSC2)
No classification provided. Condition: TSC. Review status: no classification provided. Criteria: Tuberous Sclerosis Database Assertion Criteria 2015. Collection method: curation. Allele origin: germline. Affected: yes. Not counted in ClinVar's aggregate classification.